The following is an entry in ClinVar:

ClinVar aggregate classification (germline): Uncertain significance (1 of 4 stars; one submission).

Submission:

Ambry Genetics
Classification: Uncertain significance. Last evaluated: 2026-04-20. Review status: criteria provided, single submitter. Criteria: Ambry Variant Classification Scheme 2023. Collection method: clinical testing. Allele origin: germline.
Comment: The p.A148P variant (also known as c.442G>C), located in coding exon 1 of the WNK2 gene, results from a G to C substitution at nucleotide position 442. The alanine at codon 148 is replaced by proline, an amino acid with highly similar properties. This amino acid position is conserved. In addition, this alteration is predicted to be tolerated by in silico analysis. Based on the available evidence, the clinical significance of this variant remains unclear.

NM_006648.4(WNK2):c.442G>C (p.Ala148Pro)

Gene: WNK2 (WNK lysine deficient protein kinase 2; plus strand). Cytogenetic location: 9q22.31.
Variant type: single nucleotide variant.
Coding change: c.442G>C on transcript NM_006648.4 (MANE Select); coding-DNA position 442, G replaced by C.
Protein change: p.Ala148Pro; replaces alanine 148 with proline.
Molecular consequence: missense variant.
Genome position (GRCh38, 1-based): chr9:93,185,371, G>C. VCF-style: chr9-93185371-G-C. GRCh37 (hg19) VCF-style: chr9-95947653-G-C.
Other names: c.442G>C, p.Ala148Pro (NM_001282394.3); short protein forms A148P.
Identifiers: ClinVar variation 4866609 (VCV004866609.1).